The following is an entry in ClinVar:

ClinVar aggregate classification (germline): Conflicting classifications of pathogenicity. Review status: criteria provided, conflicting classifications (1 of 4 stars). 3 submissions from 3 submitters: Uncertain significance (1); Likely benign (1). 1 of the submissions does not count toward it. Last evaluated 2024-11-20.

Conditions:
DNAH2-related disorder. Also called: DNAH2-related condition.
Spermatogenic failure 45. Identifiers: MedGen C5436791, MONDO:0033671, OMIM 619094.

Allele frequency attached by ClinVar (database versions not stated): 1000 Genomes Project 30x 0.00125; 1000 Genomes Project 0.00140; gnomAD 0.00182; ESP Exome Variant Server 0.00184; gnomAD exomes 0.00198; ExAC 0.00213; TOPMed 0.00213.

Submissions (3):

Blueprint Genetics
Classification: Likely benign. Last evaluated: 2024-11-20. Review status: criteria provided, single submitter. Criteria: ACMG Guidelines, 2015. Collection method: clinical testing. Allele origin: germline.

Department of Pathology and Laboratory Medicine, Sinai Health System
Classification: Uncertain significance for spermatogenic failure 45. Last evaluated: 2023-02-27. Review status: criteria provided, single submitter. Criteria: ACMG Guidelines, 2015. Collection method: research. Allele origin: germline.

PreventionGenetics, part of Exact Sciences
Classification: Likely benign for DNAH2-related condition. Last evaluated: 2019-03-21. Review status: no assertion criteria provided. Collection method: clinical testing. Allele origin: germline. Not counted in ClinVar's aggregate classification.
Comment: This variant is classified as likely benign based on ACMG/AMP sequence variant interpretation guidelines (Richards et al. 2015 PMID: 25741868, with internal and published modifications).

NM_020877.5(DNAH2):c.3179_3179+4dup

Gene: DNAH2 (dynein axonemal heavy chain 2; plus strand). Cytogenetic location: 17p13.1.
Variant type: Duplication.
Coding change: c.3179_3179+4dup on transcript NM_020877.5 (MANE Select); coding-DNA position 3179 through 4 bases into the intron after coding-DNA position 3179, 5 bases duplicated (AGTGC; older notation c.3179_3179+4dupAGTGC).
Molecular consequence: splice donor variant.
Genome position (GRCh38, 1-based): chr17:7,764,031-7,764,035, AGTGC duplicated. VCF-style (leftmost placement, unchanged base first): chr17-7764030-A-AAGTGC. GRCh37 (hg19) VCF-style: chr17-7667348-A-AAGTGC.
Identifiers: ClinVar variation 3039320 (VCV003039320.4), dbSNP rs538321530, ClinGen allele CA8356673.
Genomic context (GRCh38, chr17:7,764,030, plus strand): 5'-AGGGAGATGGCTGCTGGGCGCCTCCTGGAGCTGCACACCTACCTGAAGGAGAACGCAGAG[A>AAGTGC]AGTGCGGGCTGGGGCGCCCCACAGGAAGGGGGCAGGGGCAGGCACTGGGCCTTCCACTCA-3'